The following is an entry in ClinVar:

ClinVar aggregate classification (germline): Uncertain significance (1 of 4 stars; one submission).

Submission:

Labcorp Genetics (formerly Invitae), Labcorp
Classification: Uncertain significance. Last evaluated: 2021-08-11. Review status: criteria provided, single submitter. Criteria: Invitae Variant Classification Sherloc (09022015). Collection method: clinical testing. Allele origin: germline.
Comment: In summary, the available evidence is currently insufficient to determine the role of this variant in disease. Therefore, it has been classified as a Variant of Uncertain Significance. Algorithms developed to predict the effect of missense changes on protein structure and function are either unavailable or do not agree on the potential impact of this missense change (SIFT: "Deleterious"; PolyPhen-2: "Benign"; Align-GVGD: "Class C45"). This variant has not been reported in the literature in individuals affected with CNGA3-related conditions. This variant is not present in population databases (ExAC no frequency). This sequence change replaces leucine with proline at codon 256 of the CNGA3 protein (p.Leu256Pro). The leucine residue is highly conserved and there is a moderate physicochemical difference between leucine and proline.

NM_001298.3(CNGA3):c.767T>C (p.Leu256Pro)

Gene: CNGA3 (cyclic nucleotide gated channel subunit alpha 3; plus strand). Cytogenetic location: 2q11.2.
Variant type: single nucleotide variant.
Coding change: c.767T>C on transcript NM_001298.3 (MANE Select); coding-DNA position 767, T replaced by C.
Protein change: p.Leu256Pro; replaces leucine 256 with proline.
Molecular consequence: missense variant.
Genome position (GRCh38, 1-based): chr2:98,395,937, T>C. VCF-style: chr2-98395937-T-C. GRCh37 (hg19) VCF-style: chr2-99012400-T-C.
Other names: c.713T>C, p.Leu238Pro (NM_001079878.2); short protein forms L238P, L256P.
Identifiers: ClinVar variation 1511813 (VCV001511813.6), dbSNP rs2104245496, ClinGen allele CA347832107.